The following is an entry in ClinVar:

NM_001367949.2(FAT3):c.5391G>A (p.Val1797=)

Gene: FAT3 (FAT atypical cadherin 3; plus strand). Cytogenetic location: 11q14.3.
Variant type: single nucleotide variant.
Coding change: c.5391G>A on transcript NM_001367949.2 (MANE Select); coding-DNA position 5391, G replaced by A.
Protein change: p.Val1797=; no amino-acid change (valine 1797 retained).
Molecular consequence: synonymous variant.
Genome position (GRCh38, 1-based): chr11:92,798,404, G>A. VCF-style: chr11-92798404-G-A. GRCh37 (hg19) VCF-style: chr11-92531570-G-A.
Other names: c.5391G>A, p.Val1797= (NM_001008781.3).
Identifiers: ClinVar variation 493103 (VCV000493103.46), dbSNP rs143705185, ClinGen allele CA6227122.

ClinVar aggregate classification (germline): Benign/Likely benign. Review status: criteria provided, multiple submitters, no conflicts (2 of 4 stars). 3 submissions from 3 submitters: Benign (1); Likely benign (1). 1 of the submissions does not count toward it. Last evaluated 2023-04-01.

Conditions:
FAT3-related disorder. Also called: FAT3-related condition.

Allele frequency attached by ClinVar (database versions not stated): 1000 Genomes Project 30x 0.00094; 1000 Genomes Project 0.00120; gnomAD exomes 0.00143 and 0.00227; ExAC 0.00145; ESP Exome Variant Server 0.00156; TOPMed 0.00159; gnomAD 0.00161 and 0.00162.
gnomAD v4.1: 3,562 of 1,612,968 alleles (0.22%); highest among the groups gnomAD compares: Non-Finnish European, 0.26%; 7 homozygotes.

Submissions (3):

CeGaT Center for Human Genetics Tuebingen
Classification: Likely benign. Last evaluated: 2023-04-01. Review status: criteria provided, single submitter. Criteria: CeGaT Center For Human Genetics Tuebingen Variant Classification Criteria Version 2. Collection method: clinical testing. Allele origin: germline. Affected: yes. Observed: 2 variant alleles.
Comment: FAT3: BP4, BP7

Labcorp Genetics (formerly Invitae), Labcorp
Classification: Benign. Last evaluated: 2018-07-20. Review status: criteria provided, single submitter. Criteria: Invitae Variant Classification Sherloc (09022015). Collection method: clinical testing. Allele origin: germline.

PreventionGenetics, part of Exact Sciences
Classification: Likely benign for FAT3-related condition. Last evaluated: 2019-05-07. Review status: no assertion criteria provided. Collection method: clinical testing. Allele origin: germline. Not counted in ClinVar's aggregate classification.
Comment: This variant is classified as likely benign based on ACMG/AMP sequence variant interpretation guidelines (Richards et al. 2015 PMID: 25741868, with internal and published modifications).